The following is an entry in ClinVar:

NM_020937.4(FANCM):c.2104_2105delinsAG (p.Glu702Arg)

Gene: FANCM (FA complementation group M; plus strand). Cytogenetic location: 14q21.2.
Variant type: Indel.
Coding change: c.2104_2105delinsAG on transcript NM_020937.4 (MANE Select); coding-DNA positions 2104 to 2105, GA replaced by AG.
Protein change: p.Glu702Arg; replaces glutamic acid 702 with arginine.
Molecular consequence: missense variant.
Genome position (GRCh38, 1-based): chr14:45,170,690-45,170,691, GA replaced by AG. VCF-style: chr14-45170690-GA-AG. GRCh37 (hg19) VCF-style: chr14-45639893-GA-AG.
Other names: c.2026_2027delinsAG, p.Glu676Arg (NM_001308133.2); short protein forms E676R, E702R.
Identifiers: ClinVar variation 2014220 (VCV002014220.4), dbSNP rs2503163297, ClinGen allele CA2580088118.
Genomic context (GRCh38, chr14:45,170,690, plus strand): 5'-GAAGAAGAATTTAAATTATGGAACAGACTTTATAGATTAAGGGACAGTGATGAAATTAAA[GA>AG]GATAACATTGCCTCAAGTTCAGTTTTCTTCTTTACAAAATGAGGAAAACAAACCAGTAAG-3'
Protein context (NP_065988.1, residues 692-712): YRLRDSDEIK[Glu702Arg]ITLPQVQFSS

ClinVar aggregate classification (germline): Uncertain significance (1 of 4 stars; one submission).

Conditions:
Fanconi anemia (FA). Also called: Fanconi's anemia. Identifiers: Orphanet 84, MedGen C0015625, MeSH D005199, MONDO:0019391.

Submission:

Labcorp Genetics (formerly Invitae), Labcorp
Classification: Uncertain significance for Fanconi anemia. Last evaluated: 2022-07-08. Review status: criteria provided, single submitter. Criteria: Invitae Variant Classification Sherloc (09022015). Collection method: clinical testing. Allele origin: germline.
Comment: This sequence change replaces glutamic acid, which is acidic and polar, with arginine, which is basic and polar, at codon 702 of the FANCM protein (p.Glu702Arg). Information on the frequency of this variant in the gnomAD database is not available, as this variant may be reported differently in the database. This variant has not been reported in the literature in individuals affected with FANCM-related conditions. Algorithms developed to predict the effect of missense changes on protein structure and function are either unavailable or do not agree on the potential impact of this missense change (SIFT: "Not Available"; PolyPhen-2: "Benign"; Align-GVGD: "Not Available"). In summary, the available evidence is currently insufficient to determine the role of this variant in disease. Therefore, it has been classified as a Variant of Uncertain Significance.